The following is an entry in ClinVar:

NM_000487.6(ARSA):c.947C>A (p.Ala316Asp)

Gene: ARSA (arylsulfatase A; minus strand). Cytogenetic location: 22q13.33.
Variant type: single nucleotide variant.
Coding change: c.947C>A on transcript NM_000487.6 (MANE Select); coding-DNA position 947, C replaced by A.
Protein change: p.Ala316Asp; replaces alanine 316 with aspartic acid.
Molecular consequence: missense variant.
Genome position (GRCh38, 1-based): chr22:50,626,186, G>T on the plus strand (C>A on the coding strand, the complement: ARSA is on the minus strand). VCF-style: chr22-50626186-G-T. GRCh37 (hg19) VCF-style: chr22-51064614-G-T.
Other names: c.947C>A, p.Ala316Asp (NM_001085425.3, NM_001085426.3, NM_001085427.3); c.689C>A, p.Ala230Asp (NM_001085428.3, NM_001362782.2); short protein forms A316D, A230D.
Identifiers: ClinVar variation 634567 (VCV000634567.6), dbSNP rs1569078754, ClinGen allele CA412174440.

ClinVar aggregate classification (germline): Uncertain significance. Review status: criteria provided, multiple submitters, no conflicts (2 of 4 stars). 3 submissions from 3 submitters: Uncertain significance (2). 1 of the submissions does not count toward it. Last evaluated 2026-01-06.

Conditions:
Autosomal recessive sideroblastic anemia. Identifiers: Orphanet 260305, MedGen C4274077, MONDO:0016828.
Metachromatic leukodystrophy (MLD). Also called: ARSA DEFICIENCY; SULFATIDE LIPIDOSIS; Cerebral sclerosis diffuse metachromatic form; CEREBROSIDE SULFATASE DEFICIENCY; METACHROMATIC LEUKOENCEPHALOPATHY; Arylsulfatase A Deficiency. Identifiers: Orphanet 512, MedGen C0023522, MONDO:0018868, OMIM 250100.

Submissions (3):

Women's Health and Genetics/Laboratory Corporation of America, LabCorp
Classification: Uncertain significance. Last evaluated: 2026-01-06. Review status: criteria provided, single submitter. Criteria: LabCorp Variant Classification Summary - May 2015. Collection method: clinical testing. Allele origin: germline.
Comment: Variant summary: ARSA c.947C>A (p.Ala316Asp) results in a non-conservative amino acid change in the encoded protein sequence. Algorithms developed to predict the effect of missense changes on protein structure and function all suggest that this variant is likely to be disruptive. The variant was absent in 239136 control chromosomes (gnomAD). c.947C>A has been observed in individuals affected with Metachromatic Leukodystrophy (Liaw_2015, Ashrafi_2023). These data indicate that the variant may be associated with disease. To our knowledge, no experimental evidence demonstrating an impact on protein function has been reported. The following publications have been ascertained in the context of this evaluation (PMID: 37597066, 26553228). ClinVar contains an entry for this variant (Variation ID: 634567). Based on the evidence outlined above, the variant was classified as VUS-possibly pathogenic.

Genomic Research Center, Shahid Beheshti University of Medical Sciences
Classification: Uncertain significance for Autosomal recessive sideroblastic anemia. Last evaluated: 2019-01-01. Review status: criteria provided, single submitter. Criteria: ACMG Guidelines, 2015. Collection method: clinical testing. Allele origin: inherited. Affected: yes. Observed: 1 variant allele.

Myelin Disorders Clinic-Children's Medical Center/Medical Genetics Lab-Tarbiat Modares University, Children's Medical Center, Pediatrics Center of Excellence,
Classification: Uncertain significance for Metachromatic leukodystrophy. Review status: no assertion criteria provided. Collection method: clinical testing. Allele origin: inherited. Inheritance: Autosomal recessive inheritance. Affected: yes. Not counted in ClinVar's aggregate classification.

Literature cited by the submitters: PubMed 26553228 (cited by Women's Health and Genetics/Laboratory Corporation of America, LabCorp); PubMed 37597066 (cited by Women's Health and Genetics/Laboratory Corporation of America, LabCorp).